The following is an entry in ClinVar:

NM_001130698.2(TRPC3):c.1203G>A (p.Gln401=)

Gene: TRPC3 (transient receptor potential cation channel subfamily C member 3; minus strand). Cytogenetic location: 4q27.
Variant type: single nucleotide variant.
Coding change: c.1203G>A on transcript NM_001130698.2 (MANE Select); coding-DNA position 1203, G replaced by A.
Protein change: p.Gln401=; no amino-acid change (glutamine 401 retained).
Molecular consequence: synonymous variant.
Genome position (GRCh38, 1-based): chr4:121,914,918, C>T on the plus strand (G>A on the coding strand, the complement: TRPC3 is on the minus strand). VCF-style: chr4-121914918-C-T. GRCh37 (hg19) VCF-style: chr4-122836073-C-T.
Other names: c.1203G>A (NM_001130698.1); c.1203G>A, p.Gln401= (NM_001366479.2); c.984G>A, p.Gln328= (NM_003305.2).
Identifiers: ClinVar variation 2148249 (VCV002148249.6), dbSNP rs376302115, ClinGen allele CA3064999.
Genomic context (GRCh38, chr4:121,914,918, plus strand): 5'-GATAGCTATGGTCTGCTCCCTTAGGCCTGAGAGGTTCTCATACCAGATCGTCAAGAGCTG[C>T]TGCTGGCAGTTGGGATGAGCCACAAACTATTGGGAGAGAGAGAGTTTGAGAAGGGGAGAG-3'
Protein context (NP_001124170.1, residues 391-411): KKFVAHPNCQ[Gln401=]QLLTIWYENL

ClinVar aggregate classification (germline): Likely benign. Review status: criteria provided, single submitter (1 of 4 stars). 2 submissions from 2 submitters: Likely benign (1). 1 of the submissions does not count toward it. Last evaluated 2023-08-30.

Conditions:
TRPC3-related disorder. Also called: TRPC3-related condition.

Allele frequency attached by ClinVar (database versions not stated): gnomAD exomes 0.00002; TOPMed 0.00002; ExAC 0.00005.
gnomAD v4.1: 42 of 1,608,316 alleles (0.0026%); highest among the groups gnomAD compares: East Asian, 0.058%; no homozygotes.

Submissions (2):

Labcorp Genetics (formerly Invitae), Labcorp
Classification: Likely benign. Last evaluated: 2023-08-30. Review status: criteria provided, single submitter. Criteria: Invitae Variant Classification Sherloc (09022015). Collection method: clinical testing. Allele origin: germline.

PreventionGenetics, part of Exact Sciences
Classification: Likely benign for TRPC3-related condition. Last evaluated: 2019-02-25. Review status: no assertion criteria provided. Collection method: clinical testing. Allele origin: germline. Not counted in ClinVar's aggregate classification.
Comment: This variant is classified as likely benign based on ACMG/AMP sequence variant interpretation guidelines (Richards et al. 2015 PMID: 25741868, with internal and published modifications).